The following is an entry in ClinVar:

ClinVar aggregate classification (germline): Uncertain significance. Review status: criteria provided, multiple submitters, no conflicts (2 of 4 stars). 2 submissions from 2 submitters: Uncertain significance (2). Last evaluated 2025-01-03.

Conditions:
Kabuki syndrome 2 (KABUK2). Also called: KDM6A-Related Kabuki Syndrome. Identifiers: Orphanet 2322, MedGen C3275495, MONDO:0010465, OMIM 300867.

Allele frequency attached by ClinVar (database versions not stated): TOPMed below 0.00001.

Submissions (2):

GeneDx
Classification: Uncertain significance. Last evaluated: 2025-01-03. Review status: criteria provided, single submitter. Criteria: GeneDx Variant Classification Process June 2021. Collection method: clinical testing. Allele origin: germline. Affected: yes.
Comment: Not observed at significant frequency in large population cohorts (gnomAD); In silico analysis indicates that this missense variant does not alter protein structure/function; Has not been previously published as pathogenic or benign to our knowledge

Neuberg Centre For Genomic Medicine, NCGM
Classification: Uncertain significance for Kabuki syndrome 2. Review status: criteria provided, single submitter. Criteria: ACMG Guidelines, 2015. Collection method: clinical testing. Allele origin: germline. Inheritance: X-linked inheritance. Affected: yes.
Comment: The missense variant in c.913A>G in KDM6A gene has not been reported previously as a pathogenic variant nor as a benign variant, to our knowledge. The p.Ile305Val variant is novel (not in any individuals) in gnomAD Exomes and 1000 Genomes. This variant has not been reported to the ClinVar database. The amino acid Ile at position 305 is changed to a Val changing protein sequence and it might alter its composition and physico-chemical properties. For these reasons, this variant has been classified as Uncertain Significance (VUS).

NM_001291415.2(KDM6A):c.913A>G (p.Ile305Val)

Gene: KDM6A (lysine demethylase 6A; plus strand). Cytogenetic location: Xp11.3.
Variant type: single nucleotide variant.
Coding change: c.913A>G on transcript NM_001291415.2 (MANE Select); coding-DNA position 913, A replaced by G.
Protein change: p.Ile305Val; replaces isoleucine 305 with valine.
Molecular consequence: missense variant. On other transcripts: non-coding transcript variant (1).
Genome position (GRCh38, 1-based): chrX:45,059,043, A>G. VCF-style: chrX-45059043-A-G. GRCh37 (hg19) VCF-style: chrX-44918288-A-G.
Other names: c.913A>G, p.Ile305Val (NM_001291416.2, NM_001291417.2, NM_001291418.2 and 1 more transcripts); c.160A>G, p.Ile54Val (NM_001291421.2); short protein forms I305V, I54V.
Identifiers: ClinVar variation 1684082 (VCV001684082.4), dbSNP rs2044200158, ClinGen allele CA412781251.